The following is an entry in ClinVar:

NM_001378743.1(CYLD):c.*2150A>G

Genes: CYLD (CYLD lysine 63 deubiquitinase; plus strand), CYLD-AS2 (CYLD antisense RNA 2; minus strand). Cytogenetic location: 16q12.1.
Variant type: single nucleotide variant.
Coding change: c.*2150A>G on transcript NM_001378743.1 (MANE Select); 2150 bases downstream of the stop codon, A replaced by G.
Molecular consequence: 3 prime UTR variant. On other transcripts: non-coding transcript variant (1).
Genome position (GRCh38, 1-based): chr16:50,798,658, A>G. VCF-style: chr16-50798658-A-G. GRCh37 (hg19) VCF-style: chr16-50832569-A-G.
Other names: c.*2150A>G (NM_001042355.2, NM_001042412.3, NM_001378744.1 and 12 more transcripts).
Identifiers: ClinVar variation 319534 (VCV000319534.5), dbSNP rs563954578, ClinGen allele CA10647639.
Genomic context (GRCh38, chr16:50,798,658, plus strand): 5'-CTGGATTTAACAGTTGGAAAAAAAAAAAAAAAAGGAGAGAGAAGACAGTTCCTTTCCTGT[A>G]GAAATTAAAACAAAATACAAATTGAGGAAGCTCTGCTACCCAGGCTGTCATGGTAGAGAA-3'

ClinVar aggregate classification (germline): Benign. Review status: criteria provided, single submitter (1 of 4 stars). 3 submissions from 1 submitter: Benign (3). Last evaluated 2018-01-12.

Conditions:
Familial multiple trichoepitheliomata. Also called: Familial multiple trichoepithelioma. Identifiers: Orphanet 79493, Orphanet 867, MedGen C1275122, MONDO:0011114.
Brooke-Spiegler syndrome. Also called: CYLD Cutaneous Syndrome. Identifiers: Orphanet 79493, MedGen C1857941, MONDO:0011512, OMIM 605041.
Familial cylindromatosis. Also called: Turban tumor syndrome; ANCELL-SPIEGLER CYLINDROMAS. Identifiers: Orphanet 211, Orphanet 79493, MedGen C1851526, MONDO:0007565, OMIM 132700.

Allele frequency attached by ClinVar (database versions not stated): gnomAD below 0.00001 and 0.00033; TOPMed 0.00005; gnomAD exomes 0.00012; 1000 Genomes Project 0.00140; 1000 Genomes Project 30x 0.00141.
gnomAD v4.1: 58 of 232,346 alleles (0.025%); highest among the groups gnomAD compares: South Asian, 1%; no homozygotes.

Submissions (3):

Illumina Laboratory Services, Illumina
Classification: Benign for Brooke-Spiegler syndrome. Last evaluated: 2018-01-12. Review status: criteria provided, single submitter. Criteria: ICSL Variant Classification Criteria 13 December 2019. Collection method: clinical testing. Allele origin: germline.
Comment: This variant was observed in the ICSL laboratory as part of a predisposition screen in an ostensibly healthy population. It had not been previously curated by ICSL or reported in the Human Gene Mutation Database (HGMD: prior to June 1st, 2018), and was therefore a candidate for classification through an automated scoring system. Utilizing variant allele frequency, disease prevalence and penetrance estimates, and inheritance mode, an automated score was calculated to assess if this variant is too frequent to cause the disease. Based on the score and internal cut-off values, a variant classified as benign is not then subjected to further curation. The score for this variant resulted in a classification of benign for this disease.

Illumina Laboratory Services, Illumina
Classification: Benign for Trichoepithelioma, multiple familial, 1. Last evaluated: 2018-01-12. Review status: criteria provided, single submitter. Criteria: ICSL Variant Classification Criteria 13 December 2019. Collection method: clinical testing. Allele origin: germline.
Comment: the same text as in the submission from Illumina Laboratory Services, Illumina above.

Illumina Laboratory Services, Illumina
Classification: Benign for Familial cylindromatosis. Last evaluated: 2018-01-12. Review status: criteria provided, single submitter. Criteria: ICSL Variant Classification Criteria 13 December 2019. Collection method: clinical testing. Allele origin: germline.
Comment: the same text as in the submission from Illumina Laboratory Services, Illumina above.